The following is an entry in ClinVar:

ClinVar aggregate classification (germline): Pathogenic/Likely pathogenic. Review status: criteria provided, multiple submitters, no conflicts (2 of 4 stars). 3 submissions from 3 submitters: Pathogenic (2); Likely pathogenic (1). Last evaluated 2023-09-11.

Conditions:
PUS1-related disorder. Also called: PUS1-related condition.
Myopathy, lactic acidosis, and sideroblastic anemia 1 (MLASA1). Identifiers: Orphanet 2598, MedGen C4551958, MONDO:0024553, OMIM 600462.

Submissions (3):

PreventionGenetics, part of Exact Sciences
Classification: Likely pathogenic for PUS1-related condition. Last evaluated: 2023-09-11. Review status: criteria provided, single submitter. Criteria: ACMG Guidelines, 2015. Collection method: clinical testing. Allele origin: germline.
Comment: The PUS1 c.45G>A variant is predicted to result in premature protein termination (p.Trp15*). To our knowledge, this variant has not been reported in the literature. This variant has not been reported in a large population database, indicating this variant is rare. Nonsense variants in PUS1 are expected to be pathogenic. This variant is interpreted as likely pathogenic.

3billion
Classification: Pathogenic for Myopathy, lactic acidosis, and sideroblastic anemia 1. Last evaluated: 2022-09-01. Review status: criteria provided, single submitter. Criteria: ACMG Guidelines, 2015. Collection method: clinical testing. Allele origin: germline. Affected: yes. Observed: 1 homozygote.
Comment: Stop-gained (nonsense) is predicted to result in a loss or disruption of normal protein function through nonsense-mediated decay (NMD) or protein truncation. The variant is not observed in the gnomAD v2.1.1 dataset. Multiple pathogenic variants are reported downstream of the variant. The homozygous variant has been reported to be associated with PUS1-related disorder (ClinVar ID: VCV001442871). Therefore, this variant is classified as Pathogenic according to the recommendation of ACMG/AMP guideline.

Labcorp Genetics (formerly Invitae), Labcorp
Classification: Pathogenic. Last evaluated: 2021-01-18. Review status: criteria provided, single submitter. Criteria: Invitae Variant Classification Sherloc (09022015). Collection method: clinical testing. Allele origin: germline.
Comment: For these reasons, this variant has been classified as Pathogenic. This variant has not been reported in the literature in individuals with PUS1-related conditions. This variant is not present in population databases (ExAC no frequency). This sequence change creates a premature translational stop signal (p.Trp15*) in the PUS1 gene. It is expected to result in an absent or disrupted protein product. Loss-of-function variants in PUS1 are known to be pathogenic (PMID: 17056637, 19731322, 25058219, 26556812).

Literature cited by the submitters: PubMed 17056637 (cited by Labcorp Genetics (formerly Invitae), Labcorp); PubMed 19731322 (cited by Labcorp Genetics (formerly Invitae), Labcorp); PubMed 25058219 (cited by Labcorp Genetics (formerly Invitae), Labcorp); PubMed 26556812 (cited by Labcorp Genetics (formerly Invitae), Labcorp).

NM_025215.6(PUS1):c.45G>A (p.Trp15Ter)

Gene: PUS1 (pseudouridine synthase 1; plus strand). Cytogenetic location: 12q24.33.
Variant type: single nucleotide variant.
Coding change: c.45G>A on transcript NM_025215.6 (MANE Select); coding-DNA position 45, G replaced by A.
Protein change: p.Trp15Ter; replaces tryptophan 15 with a stop codon.
Molecular consequence: nonsense. On other transcripts: intron variant (2).
Genome position (GRCh38, 1-based): chr12:131,929,767, G>A. VCF-style: chr12-131929767-G-A. GRCh37 (hg19) VCF-style: chr12-132414312-G-A.
Other names: c.-10-140G>A (NM_001002019.3, NM_001002020.3); c.45G>A (NM_025215.5); short protein forms W15*.
Identifiers: ClinVar variation 1442871 (VCV001442871.7), dbSNP rs895175332, ClinGen allele CA246181733.
Genomic context (GRCh38, chr12:131,929,767, plus strand): 5'-CACTGGTAGCCTGCGCATGGGCCTCCAGCTTCGCGCGCTGTTGGGAGCCTTCGGACGGTG[G>A]ACCCTGCGCCTGGGACCGCGTCCGTCCTGGTAATGACCGCGACGCCGGGCGACCCCGCTA-3'